The following is an entry in ClinVar:

NM_000038.6(APC):c.139G>A (p.Val47Ile)

Gene: APC (APC regulator of Wnt signaling pathway; plus strand). Cytogenetic location: 5q22.2.
Variant type: single nucleotide variant.
Coding change: c.139G>A on transcript NM_000038.6 (MANE Select); coding-DNA position 139, G replaced by A.
Protein change: p.Val47Ile; replaces valine 47 with isoleucine.
Molecular consequence: missense variant. On other transcripts: 5 prime UTR variant (4).
Genome position (GRCh38, 1-based): chr5:112,766,329, G>A. VCF-style: chr5-112766329-G-A. GRCh37 (hg19) VCF-style: chr5-112102026-G-A.
Other names: c.139G>A, p.Val47Ile (NM_001127510.3, NM_001354895.2, NM_001354896.2 and 2 more transcripts); c.169G>A, p.Val57Ile (NM_001127511.3, NM_001354897.2, NM_001354902.2); c.64G>A, p.Val22Ile (NM_001354898.2, NM_001354904.2); c.-39G>A (NM_001354900.2, NM_001354901.2, NM_001354905.2); c.-897G>A (NM_001354906.2); short protein forms V57I, V47I, V22I.
Identifiers: ClinVar variation 411459 (VCV000411459.31), dbSNP rs969611536, ClinGen allele CA16021649.

ClinVar aggregate classification (germline): Conflicting classifications of pathogenicity. Review status: criteria provided, conflicting classifications (1 of 4 stars). 7 submissions from 7 submitters: Uncertain significance (6); Likely benign (1). Last evaluated 2026-01-27.

Conditions:
Familial adenomatous polyposis 1 (FAP1). Also called: FAMILIAL ADENOMATOUS POLYPOSIS 1, ATTENUATED; POLYPOSIS, ADENOMATOUS INTESTINAL. Identifiers: MedGen C2713442, MONDO:0021056, OMIM 175100. Disease mechanism: loss of function.
Hereditary cancer-predisposing syndrome. Also called: Tumor predisposition; Hereditary Cancer Syndrome; Hereditary neoplastic syndrome; Neoplastic Syndromes, Hereditary. Identifiers: Orphanet 140162, MedGen C0027672, MeSH D009386, MONDO:0015356.
Classic or attenuated familial adenomatous polyposis. Identifiers: MedGen CN372698, MONDO:0021057.

Allele frequency attached by ClinVar (database versions not stated): gnomAD exomes below 0.00001; gnomAD 0.00001.
gnomAD v4.1: 5 of 1,592,346 alleles (0.00031%); highest among the groups gnomAD compares: Non-Finnish European, 0.00043%; no homozygotes.

Submissions (7):

Labcorp Genetics (formerly Invitae), Labcorp
Classification: Uncertain significance for Familial adenomatous polyposis 1. Last evaluated: 2026-01-27. Review status: criteria provided, single submitter. Criteria: Invitae Variant Classification Sherloc (09022015). Collection method: clinical testing. Allele origin: germline.
Comment: This sequence change replaces valine, which is neutral and non-polar, with isoleucine, which is neutral and non-polar, at codon 47 of the APC protein (p.Val47Ile). This variant is present in population databases (no rsID available, gnomAD 0.0009%). This variant has not been reported in the literature in individuals affected with APC-related conditions. ClinVar contains an entry for this variant (Variation ID: 411459). Invitae Evidence Modeling of protein sequence and biophysical properties (such as structural, functional, and spatial information, amino acid conservation, physicochemical variation, residue mobility, and thermodynamic stability) indicates that this missense variant is not expected to disrupt APC protein function with a negative predictive value of 95%. In summary, the available evidence is currently insufficient to determine the role of this variant in disease. Therefore, it has been classified as a Variant of Uncertain Significance.

GeneDx
Classification: Uncertain significance. Last evaluated: 2025-11-17. Review status: criteria provided, single submitter. Criteria: GeneDx Variant Classification Process June 2021. Collection method: clinical testing. Allele origin: germline. Affected: yes.
Comment: Located in the critical oligomerization domain (PMID: 18199528); Not observed at significant frequency in large population cohorts (gnomAD); In silico analysis suggests that this missense variant does not alter protein structure/function; Has not been previously published as pathogenic or benign to our knowledge; This variant is associated with the following publications: (PMID: 18199528)

Women's Health and Genetics/Laboratory Corporation of America, LabCorp
Classification: Uncertain significance. Last evaluated: 2025-05-06. Review status: criteria provided, single submitter. Criteria: LabCorp Variant Classification Summary - May 2015. Collection method: clinical testing. Allele origin: germline.
Comment: Variant summary: APC c.139G>A (p.Val47Ile) results in a conservative amino acid change in the encoded protein sequence. Algorithms developed to predict the effect of missense changes on protein structure and function are either unavailable or do not agree on the potential impact of this missense change. The variant allele was found at a frequency of 4e-06 in 250970 control chromosomes. The available data on variant occurrences in the general population are insufficient to allow any conclusion about variant significance. To our knowledge, no occurrence of c.139G>A in individuals affected with Familial Adenomatous Polyposis and no experimental evidence demonstrating its impact on protein function have been reported. ClinVar contains an entry for this variant (Variation ID: 411459). Based on the evidence outlined above, the variant was classified as uncertain significance.

Ambry Genetics
Classification: Likely benign for Hereditary cancer-predisposing syndrome. Last evaluated: 2025-02-21. Review status: criteria provided, single submitter. Criteria: Ambry Variant Classification Scheme 2023. Collection method: clinical testing. Allele origin: germline.

Color Diagnostics, LLC DBA Color Health
Classification: Uncertain significance for Hereditary cancer-predisposing syndrome. Last evaluated: 2024-05-06. Review status: criteria provided, single submitter. Criteria: ACMG Guidelines, 2015. Collection method: clinical testing. Allele origin: germline.
Comment: This missense variant replaces valine with isoleucine at codon 47 of the APC protein. Computational prediction suggests that this variant may not impact protein structure and function (internally defined REVEL score threshold <= 0.5, PMID: 27666373). To our knowledge, functional studies have not been reported for this variant. This variant has not been reported in individuals affected with APC-related disorders in the literature. This variant has been identified in 1/250970 chromosomes in the general population by the Genome Aggregation Database (gnomAD). The available evidence is insufficient to determine the role of this variant in disease conclusively. Therefore, this variant is classified as a Variant of Uncertain Significance.

Baylor Genetics
Classification: Uncertain significance for Familial adenomatous polyposis 1. Last evaluated: 2023-07-01. Review status: criteria provided, single submitter. Criteria: ACMG Guidelines, 2015. Collection method: clinical testing. Allele origin: unknown.

All of Us Research Program, National Institutes of Health
Classification: Uncertain significance for Classic or attenuated familial adenomatous polyposis. Last evaluated: 2023-06-08. Review status: criteria provided, single submitter. Criteria: ACMG Guidelines, 2015. Collection method: clinical testing. Allele origin: germline. Inheritance: Autosomal dominant inheritance. Observed: 2 variant alleles, 2 heterozygotes.
Comment: This missense variant replaces valine with isoleucine at codon 47 of the APC protein. Computational prediction suggests that this variant may not impact protein structure and function (internally defined REVEL score threshold <= 0.5, PMID: 27666373). To our knowledge, functional studies have not been reported for this variant. This variant has not been reported in individuals affected with APC-related disorders in the literature. This variant has been identified in 1/250970 chromosomes in the general population by the Genome Aggregation Database (gnomAD). The available evidence is insufficient to determine the role of this variant in disease conclusively. Therefore, this variant is classified as a Variant of Uncertain Significance.

This study involves interpretation of variants in research participants for the purpose of population health screening. Participant phenotype was not available at the time of variant classification. Additional details can be found in publication PMID: 35346344, PMCID: PMC8962531